The following is an entry in ClinVar:

ClinVar aggregate classification (germline): Uncertain significance (1 of 4 stars; one submission).

Conditions:
Cone-rod dystrophy 6 (CORD6). Also called: RETINAL CONE DYSTROPHY 2; Cone dystrophy progressive. Identifiers: Orphanet 1872, MedGen C1866293, MONDO:0011143, OMIM 601777.
Leber congenital amaurosis 1 (LCA1). Also called: RETINAL BLINDNESS, CONGENITAL; AMAUROSIS CONGENITA OF LEBER I; Congenital absence of the rods and cones; Leber's congenital tapetoretinal degeneration; Leber's congenital tapetoretinal dysplasia. Identifiers: Orphanet 65, MedGen C2931258, MONDO:0008764, OMIM 204000.

Allele frequency attached by ClinVar (database versions not stated): gnomAD exomes below 0.00001 and 0.00001.
gnomAD v4.1: 2 of 1,609,010 alleles (0.00012%); highest among the groups gnomAD compares: Admixed American, 0.0033%; no homozygotes.

Submission:

Labcorp Genetics (formerly Invitae), Labcorp
Classification: Uncertain significance for Leber congenital amaurosis 1; Cone-rod dystrophy 6. Last evaluated: 2022-10-04. Review status: criteria provided, single submitter. Criteria: Invitae Variant Classification Sherloc (09022015). Collection method: clinical testing. Allele origin: germline.
Comment: This sequence change replaces glutamine, which is neutral and polar, with lysine, which is basic and polar, at codon 525 of the GUCY2D protein (p.Gln525Lys). This variant is present in population databases (no rsID available, gnomAD 0.006%). This variant has not been reported in the literature in individuals affected with GUCY2D-related conditions. ClinVar contains an entry for this variant (Variation ID: 1442803). Advanced modeling of protein sequence and biophysical properties (such as structural, functional, and spatial information, amino acid conservation, physicochemical variation, residue mobility, and thermodynamic stability) performed at Invitae indicates that this missense variant is not expected to disrupt GUCY2D protein function. In summary, the available evidence is currently insufficient to determine the role of this variant in disease. Therefore, it has been classified as a Variant of Uncertain Significance.

NM_000180.4(GUCY2D):c.1573C>A (p.Gln525Lys)

Gene: GUCY2D (guanylate cyclase 2D, retinal; plus strand). Cytogenetic location: 17p13.1.
Variant type: single nucleotide variant.
Coding change: c.1573C>A on transcript NM_000180.4 (MANE Select); coding-DNA position 1573, C replaced by A.
Protein change: p.Gln525Lys; replaces glutamine 525 with lysine.
Molecular consequence: missense variant.
Genome position (GRCh38, 1-based): chr17:8,007,937, C>A. VCF-style: chr17-8007937-C-A. GRCh37 (hg19) VCF-style: chr17-7911255-C-A.
Other names: short protein forms Q525K.
Identifiers: ClinVar variation 1442803 (VCV001442803.5), dbSNP rs1168076308, ClinGen allele CA397949545.